The following is an entry in ClinVar:

NM_001018005.2(TPM1):c.815A>C (p.Glu272Ala)

Gene: TPM1 (tropomyosin 1; plus strand). Cytogenetic location: 15q22.2.
Variant type: single nucleotide variant.
Coding change: c.815A>C on transcript NM_001018005.2 (MANE Select); coding-DNA position 815, A replaced by C.
Protein change: p.Glu272Ala; replaces glutamic acid 272 with alanine.
Molecular consequence: missense variant. On other transcripts: intron variant (12).
Genome position (GRCh38, 1-based): chr15:63,064,106, A>C. VCF-style: chr15-63064106-A-C. GRCh37 (hg19) VCF-style: chr15-63356305-A-C.
Other names: c.815A>C, p.Glu272Ala (NM_000366.6, NM_001301244.2, NM_001365779.1); c.707A>C, p.Glu236Ala (NM_001330346.2, NM_001365781.2, NM_001365782.1); c.898+1461A>C (NM_001365778.1); c.772+1461A>C (NM_001018020.2, NM_001018007.2, NM_001018006.2 and 3 more transcripts); c.664+1461A>C (NM_001330351.2, NM_001330344.2, NM_001018008.2 and 2 more transcripts); short protein forms E272A, E236A.
Identifiers: ClinVar variation 165575 (VCV000165575.12), dbSNP rs727503519, ClinGen allele CA018366.
Genomic context (GRCh38, chr15:63,064,106, plus strand): 5'-TCCACTTCCTGGTCATAGACGAGCTGTACGCTCAGAAACTGAAGTACAAAGCCATCAGCG[A>C]GGAGCTGGACCACGCTCTCAACGATATGACTTCCATGTAAACGTTCATCCACTCTGCCTG-3'
Protein context (NP_001018005.1, residues 262-282): AQKLKYKAIS[Glu272Ala]ELDHALNDMT

ClinVar aggregate classification (germline): Uncertain significance. Review status: criteria provided, multiple submitters, no conflicts (2 of 4 stars). 2 submissions from 2 submitters: Uncertain significance (2). Last evaluated 2025-09-04.

Conditions:
Hypertrophic cardiomyopathy. Also called: HYPERTROPHIC MYOCARDIOPATHY. Identifiers: Orphanet 217569, MedGen C0007194, MeSH D002312, MONDO:0005045, HP:0001639.

Submissions (2):

Labcorp Genetics (formerly Invitae), Labcorp
Classification: Uncertain significance for Hypertrophic cardiomyopathy. Last evaluated: 2025-09-04. Review status: criteria provided, single submitter. Criteria: Invitae Variant Classification Sherloc (09022015). Collection method: clinical testing. Allele origin: germline.
Comment: This sequence change replaces glutamic acid, which is acidic and polar, with alanine, which is neutral and non-polar, at codon 272 of the TPM1 protein (p.Glu272Ala). This variant is not present in population databases (gnomAD no frequency). This missense change has been observed in individual(s) with dilated cardiomyopathy (internal data). It has also been observed to segregate with disease in related individuals. ClinVar contains an entry for this variant (Variation ID: 165575). An algorithm developed to predict the effect of missense changes on protein structure and function (PolyPhen-2) suggests that this variant is likely to be tolerated. This variant disrupts the p.Glu272 amino acid residue in TPM1. Other variant(s) that disrupt this residue have been observed in individuals with TPM1-related conditions (PMID: 38836950), which suggests that this may be a clinically significant amino acid residue. In summary, the available evidence is currently insufficient to determine the role of this variant in disease. Therefore, it has been classified as a Variant of Uncertain Significance.

Laboratory for Molecular Medicine, Mass General Brigham Personalized Medicine
Classification: Uncertain significance. Last evaluated: 2014-12-04. Review status: criteria provided, single submitter. Criteria: LMM Criteria. Collection method: clinical testing. Allele origin: germline. Observed: 1 variant allele.
Comment: Variant classified as Uncertain Significance - Favor Pathogenic. The p.Glu272Ala variant in TPM1 has not been previously reported in individuals with cardiomyop athy or in large population studies. Glutamic acid at position 272 is highly con served in evolution and the change to alanine (Ala) was predicted to be pathogen ic using a computational tool clinically validated by our laboratory. This tool' s pathogenic prediction is estimated to be correct 94% of the time (Jordan 2011) . In summary, while there is some suspicion for a pathogenic role, the clinical significance of the p.Glu272Ala variant is uncertain.

Literature cited by the submitters: PubMed 38836950 (cited by Labcorp Genetics (formerly Invitae), Labcorp).